The following is an entry in ClinVar:

ClinVar aggregate classification (germline): Likely pathogenic (1 of 4 stars; one submission).

Conditions:
Cardiovascular phenotype. Identifiers: MedGen CN230736.

Submission:

Ambry Genetics
Classification: Likely pathogenic for Cardiovascular phenotype. Last evaluated: 2023-07-21. Review status: criteria provided, single submitter. Criteria: Ambry Variant Classification Scheme 2023. Collection method: clinical testing. Allele origin: germline.
Comment: The c.77002dupA variant, located in coding exon 185 of the TTN gene, results from a duplication of A at nucleotide position 77002, causing a translational frameshift with a predicted alternate stop codon (p.I25668Nfs*6). This exon is located in the M-band region of the N2-B isoform of the titin protein and is constitutively expressed in TTN transcripts (percent spliced in or PSI 100%). This variant is considered to be rare based on population cohorts in the Genome Aggregation Database (gnomAD). This alteration is expected to result in loss of function by premature protein truncation or nonsense-mediated mRNA decay. While truncating variants in TTN are present in 1-3% of the general population, truncating variants in the M-band have been reported in association with autosomal recessive titinopathies, primarily presenting with skeletal myopathy phenotypes (Ceyhan-Birsoy O et al. Neurology. 2013 Oct 1;81(14):1205-14; De Cid R et al. Neurology. 2015;85(24):2126-35). In addition, regardless of their position, TTN truncating variants encoded in constitutive exons (PSI >90%) have been found to be significantly associated with dilated cardiomyopathy (DCM), though truncating variants in the A-band are the most common cause of DCM (Herman DS et al. N. Engl. J. Med., 2012 Feb;366:619-28; Roberts AM et al. Sci Transl Med, 2015 Jan;7:270ra6; Schafer S et al. Nat. Genet., 2017 01;49:46-53). Based on the majority of available evidence to date, this variant is likely to be pathogenic in association with autosomal recessive titinopathy; however, the clinical significance of this alteration with respect to cardiomyopathy remains unclear.

NM_001267550.2(TTN):c.104197dup (p.Ile34733fs)

Genes: TTN (titin; minus strand), TTN-AS1 (TTN antisense RNA 1; plus strand). Cytogenetic location: 2q31.2.
Variant type: Duplication.
Coding change: c.104197dup on transcript NM_001267550.2 (MANE Select); coding-DNA position 104197, one base duplicated (A; older notation c.104197dupA).
Protein change: p.Ile34733fs; shifts the reading frame from isoleucine 34733.
Molecular consequence: frameshift variant.
Genome position (GRCh38, 1-based): chr2:178,532,418, T duplicated on the plus strand (A on the coding strand, the reverse complement: TTN is on the minus strand). VCF-style (leftmost placement, unchanged base first): chr2-178532417-A-AT. GRCh37 (hg19) VCF-style: chr2-179397144-A-AT.
Other names: c.99274dup, p.Ile33092fs (NM_001256850.1); c.77002dup, p.Ile25668fs (NM_003319.4); c.96493dup, p.Ile32165fs (NM_133378.4); c.77578dup, p.Ile25860fs (NM_133437.4); c.77377dup, p.Ile25793fs (NM_133432.3); c.77002dupA (NM_003319.4); short protein forms I25860fs, I32165fs, I33092fs, I25668fs, I25793fs, I34733fs.
Identifiers: ClinVar variation 2586537 (VCV002586537.2), dbSNP rs2468451119, ClinGen allele CA430236048.